The following is an entry in ClinVar:

ClinVar aggregate classification (germline): Benign. Review status: criteria provided, multiple submitters, no conflicts (2 of 4 stars). 2 submissions from 2 submitters: Benign (2). Last evaluated 2018-06-16.

Allele frequency attached by ClinVar (database versions not stated): 1000 Genomes Project 30x 0.97189; 1000 Genomes Project 0.97224; TOPMed 0.97397; gnomAD 0.97826 and 0.97899; gnomAD exomes 0.98914.
gnomAD v4.1: 1,310,988 of 1,327,154 alleles (99%); highest among the groups gnomAD compares: South Asian, 100%; 647,659 homozygotes.

Submissions (2):

GeneDx
Classification: Benign. Last evaluated: 2018-06-16. Review status: criteria provided, single submitter. Criteria: GeneDx Variant Classification (06012015). Collection method: clinical testing. Allele origin: germline. Affected: yes.
Comment: This variant is considered likely benign or benign based on one or more of the following criteria: it is a conservative change, it occurs at a poorly conserved position in the protein, it is predicted to be benign by multiple in silico algorithms, and/or has population frequency not consistent with disease.

Breakthrough Genomics
Classification: Benign. Review status: criteria provided, single submitter. Criteria: ACMG Guidelines, 2015. Collection method: not provided. Allele origin: germline. Inheritance: Autosomal dominant inheritance. Affected: yes.

NM_005445.4(SMC3):c.3105+83G>T

Gene: SMC3 (structural maintenance of chromosomes 3; plus strand). Cytogenetic location: 10q25.2.
Variant type: single nucleotide variant.
Coding change: c.3105+83G>T on transcript NM_005445.4 (MANE Select); 83 bases into the intron after coding-DNA position 3105, G replaced by T.
Molecular consequence: intron variant.
Genome position (GRCh38, 1-based): chr10:110,602,261, G>T. VCF-style: chr10-110602261-G-T. GRCh37 (hg19) VCF-style: chr10-112362019-G-T.
Identifiers: ClinVar variation 674952 (VCV000674952.2), dbSNP rs2039874, ClinGen allele CA213249597.